The following is an entry in ClinVar:

ClinVar aggregate classification (germline): Uncertain significance (1 of 4 stars; one submission).

Conditions:
Bethlem myopathy 1A. Also called: Bethlem myopathy 1; MYOPATHY, BENIGN CONGENITAL, WITH CONTRACTURES; Bethlem Muscular Dystrophy. Identifiers: Orphanet 610, MedGen CN029274, MONDO:0024530, OMIM 158810.

Allele frequency attached by ClinVar (database versions not stated): gnomAD exomes below 0.00001; TOPMed 0.00002.
gnomAD v4.1: 1 of 1,614,154 alleles (0.000062%); highest among the groups gnomAD compares: African/African-American, 0.0013%; no homozygotes.

Submission:

Labcorp Genetics (formerly Invitae), Labcorp
Classification: Uncertain significance for Bethlem myopathy 1A. Last evaluated: 2018-06-04. Review status: criteria provided, single submitter. Criteria: Invitae Variant Classification Sherloc (09022015). Collection method: clinical testing. Allele origin: germline.
Comment: This variant is not present in population databases (ExAC no frequency). In summary, the available evidence is currently insufficient to determine the role of this variant in disease. Therefore, it has been classified as a Variant of Uncertain Significance. Algorithms developed to predict the effect of missense changes on protein structure and function do not agree on the potential impact of this missense change (SIFT: "Tolerated"; PolyPhen-2: "Probably Damaging"; Align-GVGD: "Class C0"). This variant has not been reported in the literature in individuals with COL6A3-related disease. This sequence change replaces leucine with proline at codon 798 of the COL6A3 protein (p.Leu798Pro). The leucine residue is weakly conserved and there is a moderate physicochemical difference between leucine and proline.

NM_004369.4(COL6A3):c.2393T>C (p.Leu798Pro)

Gene: COL6A3 (collagen type VI alpha 3 chain; minus strand). Cytogenetic location: 2q37.3.
Variant type: single nucleotide variant.
Coding change: c.2393T>C on transcript NM_004369.4 (MANE Select); coding-DNA position 2393, T replaced by C.
Protein change: p.Leu798Pro; replaces leucine 798 with proline.
Molecular consequence: missense variant. On other transcripts: intron variant (1).
Genome position (GRCh38, 1-based): chr2:237,378,740, A>G on the plus strand (T>C on the coding strand, the complement: COL6A3 is on the minus strand). VCF-style: chr2-237378740-A-G. GRCh37 (hg19) VCF-style: chr2-238287383-A-G.
Other names: c.1172T>C, p.Leu391Pro (NM_057164.5); c.1775T>C, p.Leu592Pro (NM_057165.5, NM_057167.4); c.677-1396T>C (NM_057166.5); short protein forms L798P, L391P, L592P.
Identifiers: ClinVar variation 574418 (VCV000574418.9), dbSNP rs939675343, ClinGen allele CA67826587.